The following is an entry in ClinVar:

NM_002109.6(HARS1):c.368A>C (p.Glu123Ala)

Gene: HARS1 (histidyl-tRNA synthetase 1; minus strand). Cytogenetic location: 5q31.3.
Variant type: single nucleotide variant.
Coding change: c.368A>C on transcript NM_002109.6 (MANE Select); coding-DNA position 368, A replaced by C.
Protein change: p.Glu123Ala; replaces glutamic acid 123 with alanine.
Molecular consequence: missense variant. On other transcripts: intron variant (2).
Genome position (GRCh38, 1-based): chr5:140,679,816, T>G on the plus strand (A>C on the coding strand, the complement: HARS1 is on the minus strand). VCF-style: chr5-140679816-T-G. GRCh37 (hg19) VCF-style: chr5-140059401-T-G.
Other names: c.248A>C, p.Glu83Ala (NM_001258040.3, NM_001258042.3); c.368A>C, p.Glu123Ala (NM_001258041.3); c.281A>C, p.Glu94Ala (NM_001289094.2); c.181-1801A>C (NM_001289093.2); c.301-1801A>C (NM_001289092.2); short protein forms E123A, E83A, E94A.
Identifiers: ClinVar variation 1680355 (VCV001680355.6), dbSNP rs2149827896, ClinGen allele CA361257698.
Genomic context (GRCh38, chr5:140,679,816, plus strand): 5'-AAAGTCTCAAGAGCCCAAGTTTAGAAAGATACAGTGAGGTCATAGCGAAGGGACAGGAGC[T>G]CCCCGCCCTGGTCCTTCAGGTCATAGATAAGCTTGGAGTCTTCCCCATACTTTCCCATCA-3'
Protein context (NP_002100.2, residues 113-133): LIYDLKDQGG[Glu123Ala]LLSLRYDLTV

ClinVar aggregate classification (germline): Uncertain significance (1 of 4 stars; one submission).

Conditions:
Usher syndrome type 3B. Also called: USHER SYNDROME, TYPE IIIB. Identifiers: MedGen C3281066, MONDO:0013788, OMIM 614504.

Submission:

Labcorp Genetics (formerly Invitae), Labcorp
Classification: Uncertain significance for Usher syndrome type 3B. Last evaluated: 2022-08-15. Review status: criteria provided, single submitter. Criteria: Invitae Variant Classification Sherloc (09022015). Collection method: clinical testing. Allele origin: germline.
Comment: This sequence change replaces glutamic acid, which is acidic and polar, with alanine, which is neutral and non-polar, at codon 123 of the HARS protein (p.Glu123Ala). This variant is not present in population databases (gnomAD no frequency). This variant has not been reported in the literature in individuals affected with HARS-related conditions. ClinVar contains an entry for this variant (Variation ID: 1680355). Algorithms developed to predict the effect of missense changes on protein structure and function are either unavailable or do not agree on the potential impact of this missense change (SIFT: "Deleterious"; PolyPhen-2: "Probably Damaging"; Align-GVGD: "Class C0"). In summary, the available evidence is currently insufficient to determine the role of this variant in disease. Therefore, it has been classified as a Variant of Uncertain Significance.